The following is an entry in ClinVar:

NM_001276345.2(TNNT2):c.227del (p.Lys76fs)

Gene: TNNT2 (troponin T2, cardiac type; minus strand). Cytogenetic location: 1q32.1.
Variant type: Deletion.
Coding change: c.227del on transcript NM_001276345.2 (MANE Select); coding-DNA position 227, one base deleted (A; older notation c.227delA).
Protein change: p.Lys76fs; shifts the reading frame from lysine 76.
Molecular consequence: frameshift variant.
Genome position (GRCh38, 1-based): chr1:201,366,844, T deleted on the plus strand (A on the coding strand, the reverse complement: TNNT2 is on the minus strand); the first of 3 consecutive T bases (chr1:201,366,844-201,366,846); deleting any one gives the same sequence. VCF-style (leftmost placement, unchanged base first): chr1-201366843-CT-C. GRCh37 (hg19) VCF-style: chr1-201335971-CT-C.
Other names: c.227del, p.Lys76fs (NM_000364.4); c.197del, p.Lys66fs (NM_001001430.3, NM_001001431.3, NM_001276347.2); c.182del, p.Lys61fs (NM_001001432.3); c.224del, p.Lys75fs (NM_001276346.2); short protein forms K61fs, K66fs, K75fs, K76fs.
Identifiers: ClinVar variation 1171305 (VCV001171305.2), dbSNP rs34008819, ClinGen allele CA1011191644.
Genomic context (GRCh38, chr1:201,366,843, plus strand): 5'-ATCCTCTCTCCCTGAGCCTCTGCTCCCGGCTCTACCCAGGTGCCTCCCCACTCACCTGGG[CT>C]TTGGTTTGGACTCCTCCATTGGGCCATCTGGAGGAGATAGAAGCACACAGCCATGGGTCA-3'

ClinVar aggregate classification (germline): Uncertain significance (1 of 4 stars; one submission).

Conditions:
Cardiomyopathy (CMYO). Also called: Cardiomyopathies. Identifiers: Orphanet 167848, MedGen C0878544, MONDO:0004994, HP:0001638. Inheritance: Various modes of inheritance.

Submission:

Color Diagnostics, LLC DBA Color Health
Classification: Uncertain significance for Cardiomyopathy. Last evaluated: 2021-02-01. Review status: criteria provided, single submitter. Criteria: ACMG Guidelines, 2015. Collection method: clinical testing. Allele origin: germline.
Comment: This variant deletes 1 nucleotide in exon 7 of the TNNT2 gene, creating a frameshift and premature translation stop signal. This variant is expected to result in an absent or non-functional protein product. To our knowledge, this variant has not been reported in individuals affected with cardiovascular disorders in the literature. This variant has not been identified in the general population by the Genome Aggregation Database (gnomAD). Clinical relevance of loss-of-function truncation and splice variants in the TNNT2 gene is not clearly established. The available evidence is insufficient to determine the role of this variant in disease conclusively. Therefore, this variant is classified as a Variant of Uncertain Significance.